The following is an entry in ClinVar:

ClinVar aggregate classification (germline): Uncertain significance (1 of 4 stars; one submission).

Conditions:
Short-rib thoracic dysplasia 6 with or without polydactyly (SRTD6). Also called: Majewski Syndrome; SHORT RIB-POLYDACTYLY SYNDROME, TYPE IIA; SHORT-RIB THORACIC DYSPLASIA 6 WITH POLYDACTYLY; SHORT-RIB THORACIC DYSPLASIA 6 WITHOUT POLYDACTYLY; POLYDACTYLY WITH NEONATAL CHONDRODYSTROPHY, TYPE II. Identifiers: MedGen C0024507, MONDO:0009894, OMIM 263520.

Allele frequency attached by ClinVar (database versions not stated): TOPMed below 0.00001; ExAC 0.00001; gnomAD 0.00001; gnomAD exomes 0.00001.
gnomAD v4.1: 6 of 1,607,254 alleles (0.00037%); highest among the groups gnomAD compares: Admixed American, 0.01%; no homozygotes.

Submission:

Labcorp Genetics (formerly Invitae), Labcorp
Classification: Uncertain significance for Short-rib thoracic dysplasia 6 with or without polydactyly. Last evaluated: 2026-01-12. Review status: criteria provided, single submitter. Criteria: Invitae Variant Classification Sherloc (09022015). Collection method: clinical testing. Allele origin: germline.
Comment: This sequence change replaces serine, which is neutral and polar, with alanine, which is neutral and non-polar, at codon 754 of the NEK1 protein (p.Ser754Ala). This variant is present in population databases (rs775915794, gnomAD 0.01%). This variant has not been reported in the literature in individuals affected with NEK1-related conditions. ClinVar contains an entry for this variant (Variation ID: 2026520). Invitae Evidence Modeling of protein sequence and biophysical properties (such as structural, functional, and spatial information, amino acid conservation, physicochemical variation, residue mobility, and thermodynamic stability) indicates that this missense variant is not expected to disrupt NEK1 protein function with a negative predictive value of 80%. In summary, the available evidence is currently insufficient to determine the role of this variant in disease. Therefore, it has been classified as a Variant of Uncertain Significance.

NM_001199397.3(NEK1):c.2344T>G (p.Ser782Ala)

Gene: NEK1 (NIMA related kinase 1; minus strand). Cytogenetic location: 4q33.
Variant type: single nucleotide variant.
Coding change: c.2344T>G on transcript NM_001199397.3 (MANE Select); coding-DNA position 2344, T replaced by G.
Protein change: p.Ser782Ala; replaces serine 782 with alanine.
Molecular consequence: missense variant. On other transcripts: non-coding transcript variant (1).
Genome position (GRCh38, 1-based): chr4:169,477,214, A>C on the plus strand (T>G on the coding strand, the complement: NEK1 is on the minus strand). VCF-style: chr4-169477214-A-C. GRCh37 (hg19) VCF-style: chr4-170398365-A-C.
Other names: c.2212T>G, p.Ser738Ala (NM_001199398.3); c.2053T>G, p.Ser685Ala (NM_001199399.3); c.2128T>G, p.Ser710Ala (NM_001199400.3); c.2344T>G, p.Ser782Ala (NM_001374418.1); c.2260T>G, p.Ser754Ala (NM_001374419.1, NM_012224.4); c.2209T>G, p.Ser737Ala (NM_001374420.1); c.2038T>G, p.Ser680Ala (NM_001374421.1); short protein forms S710A, S738A, S680A, S685A, S737A, S754A, S782A.
Identifiers: ClinVar variation 2026520 (VCV002026520.4), dbSNP rs775915794, ClinGen allele CA3137441.